The following is an entry in ClinVar:

NM_020461.4(TUBGCP6):c.4081C>T (p.Pro1361Ser)

Gene: TUBGCP6 (tubulin gamma complex component 6; minus strand). Cytogenetic location: 22q13.33.
Variant type: single nucleotide variant.
Coding change: c.4081C>T on transcript NM_020461.4 (MANE Select); coding-DNA position 4081, C replaced by T.
Protein change: p.Pro1361Ser; replaces proline 1361 with serine.
Molecular consequence: missense variant.
Genome position (GRCh38, 1-based): chr22:50,220,278, G>A on the plus strand (C>T on the coding strand, the complement: TUBGCP6 is on the minus strand). VCF-style: chr22-50220278-G-A. GRCh37 (hg19) VCF-style: chr22-50658707-G-A.
Other names: short protein forms P1361S.
Identifiers: ClinVar variation 1491246 (VCV001491246.7), dbSNP rs373713701, ClinGen allele CA10307735.

ClinVar aggregate classification (germline): Uncertain significance (1 of 4 stars; one submission).

Allele frequency attached by ClinVar (database versions not stated): ESP Exome Variant Server 0.00008; TOPMed 0.00002.
gnomAD v4.1: 45 of 1,571,120 alleles (0.0029%); highest among the groups gnomAD compares: South Asian, 0.0047%; no homozygotes.

Submission:

Labcorp Genetics (formerly Invitae), Labcorp
Classification: Uncertain significance. Last evaluated: 2022-08-31. Review status: criteria provided, single submitter. Criteria: Invitae Variant Classification Sherloc (09022015). Collection method: clinical testing. Allele origin: germline.
Comment: In summary, the available evidence is currently insufficient to determine the role of this variant in disease. Therefore, it has been classified as a Variant of Uncertain Significance. Algorithms developed to predict the effect of missense changes on protein structure and function (SIFT, PolyPhen-2, Align-GVGD) all suggest that this variant is likely to be tolerated. ClinVar contains an entry for this variant (Variation ID: 1491246). This variant has not been reported in the literature in individuals affected with TUBGCP6-related conditions. This variant is present in population databases (rs373713701, gnomAD 0.004%). This sequence change replaces proline, which is neutral and non-polar, with serine, which is neutral and polar, at codon 1361 of the TUBGCP6 protein (p.Pro1361Ser).